The following is an entry in ClinVar:

ClinVar aggregate classification (germline): Uncertain significance (1 of 4 stars; one submission).

Conditions:
Hereditary cancer-predisposing syndrome. Also called: Tumor predisposition; Hereditary neoplastic syndrome; Hereditary Cancer Syndrome; Neoplastic Syndromes, Hereditary. Identifiers: Orphanet 140162, MedGen C0027672, MeSH D009386, MONDO:0015356.

Allele frequency attached by ClinVar (database versions not stated): ExAC 0.00001.

Submission:

Ambry Genetics
Classification: Uncertain significance for Hereditary cancer-predisposing syndrome. Last evaluated: 2024-02-04. Review status: criteria provided, single submitter. Criteria: Ambry Variant Classification Scheme 2023. Collection method: clinical testing. Allele origin: germline.
Comment: The p.A270V variant (also known as c.809C>T), located in coding exon 8 of the PRKAR1A gene, results from a C to T substitution at nucleotide position 809. The alanine at codon 270 is replaced by valine, an amino acid with similar properties. This amino acid position is conserved. In addition, this alteration is predicted to be deleterious by in silico analysis. Based on the available evidence, the clinical significance of this alteration remains unclear.

NM_002734.5(PRKAR1A):c.809C>T (p.Ala270Val)

Gene: PRKAR1A (protein kinase cAMP-dependent type I regulatory subunit alpha; plus strand). Cytogenetic location: 17q24.2.
Variant type: single nucleotide variant.
Coding change: c.809C>T on transcript NM_002734.5 (MANE Select); coding-DNA position 809, C replaced by T.
Protein change: p.Ala270Val; replaces alanine 270 with valine.
Molecular consequence: missense variant.
Genome position (GRCh38, 1-based): chr17:68,528,909, C>T. VCF-style: chr17-68528909-C-T. GRCh37 (hg19) VCF-style: chr17-66525050-C-T.
Other names: c.809C>T, p.Ala270Val (NM_001276289.2, NM_001276290.1, NM_001278433.2 and 4 more transcripts); short protein forms A270V.
Identifiers: ClinVar variation 3222776 (VCV003222776.1), dbSNP rs756503981, ClinGen allele CA8729394.